The following is an entry in ClinVar:

ClinVar aggregate classification (germline): Likely pathogenic (1 of 4 stars; one submission).

Conditions:
Febrile seizures, familial, 11 (FEB11). Also called: CONVULSIONS, FAMILIAL FEBRILE, 11. Identifiers: MedGen C3280734, MONDO:0024566, OMIM 614418.

gnomAD v4.1: 2 of 1,611,854 alleles (0.00012%); highest among the groups gnomAD compares: Non-Finnish European, 0.00017%; no homozygotes.

Submission:

Variantyx, Inc.
Classification: Likely pathogenic for Febrile seizures, familial, 11. Last evaluated: 2025-12-01. Review status: criteria provided, single submitter. Criteria: Variantyx Assertion Criteria 2022. Collection method: clinical testing. Allele origin: germline. Inheritance: Autosomal recessive inheritance. Affected: no.
Comment: This is a nonsense variant in the CPA6 gene (OMIM: 609562). Pathogenic variants in this gene have been associated with autosomal recessive familial febrile seizures 11. However, the association with autosomal recessive epilepsy has been disputed by Clingene database. This variant introduces a premature termination codon in exon 3 out of 11 and is expected to result in loss of function, which is a known disease mechanism for CPA6 in this disorder (PMID: 23105115, 25875328) (PVS1). This variant has a 0.0006% maximum allele frequency in non-founder control populations (PM2) and has not been reported in individuals with CPA6-related disorders in the databases available for review. Based on the current evidence, this variant is classified as likely pathogenic for autosomal recessive recessive familial febrile seizures 11.

Literature cited by the submitters: PubMed 23105115; PubMed 25875328.

NM_020361.5(CPA6):c.230C>G (p.Ser77Ter)

Gene: CPA6 (carboxypeptidase A6; minus strand). Cytogenetic location: 8q13.2.
Variant type: single nucleotide variant.
Coding change: c.230C>G on transcript NM_020361.5 (MANE Select); coding-DNA position 230, C replaced by G.
Protein change: p.Ser77Ter; replaces serine 77 with a stop codon.
Molecular consequence: nonsense.
Genome position (GRCh38, 1-based): chr8:67,518,010, G>C on the plus strand (C>G on the coding strand, the complement: CPA6 is on the minus strand). VCF-style: chr8-67518010-G-C. GRCh37 (hg19) VCF-style: chr8-68430245-G-C.
Other names: c.230C>G, p.Ser77Ter (NM_001440615.1); short protein forms S77*.
Identifiers: ClinVar variation 4813838 (VCV004813838.1).
Genomic context (GRCh38, chr8:67,518,010, plus strand): 5'-AAGGCTAACAGGGCTCGGGAACCATTTTGGGGGATATGGACATCAGTAACTGTTCCCTCT[G>C]ATACATAGGAGATACTGCTGGGCTGCCACAGGTCCACCTGTAGTGCAGGAACCAACCTAT-3'